The following is an entry in ClinVar:

ClinVar aggregate classification (germline): Uncertain significance. Review status: criteria provided, multiple submitters, no conflicts (2 of 4 stars). 2 submissions from 2 submitters: Uncertain significance (2). Last evaluated 2022-05-12.

Submissions (2):

Labcorp Genetics (formerly Invitae), Labcorp
Classification: Uncertain significance. Last evaluated: 2022-05-12. Review status: criteria provided, single submitter. Criteria: Invitae Variant Classification Sherloc (09022015). Collection method: clinical testing. Allele origin: germline.
Comment: In summary, the available evidence is currently insufficient to determine the role of this variant in disease. Therefore, it has been classified as a Variant of Uncertain Significance. Algorithms developed to predict the effect of missense changes on protein structure and function (SIFT, PolyPhen-2, Align-GVGD) all suggest that this variant is likely to be disruptive. This variant has not been reported in the literature in individuals affected with EYS-related conditions. This variant is not present in population databases (gnomAD no frequency). This sequence change replaces glycine, which is neutral and non-polar, with arginine, which is basic and polar, at codon 2481 of the EYS protein (p.Gly2481Arg).

Blueprint Genetics
Classification: Uncertain significance. Last evaluated: 2017-09-24. Review status: criteria provided, single submitter. Criteria: ACMG Guidelines, 2015. Collection method: clinical testing. Allele origin: germline.

NM_001142800.2(EYS):c.7441G>C (p.Gly2481Arg)

Gene: EYS (EGF-like photoreceptor maintenance factor; minus strand). Cytogenetic location: 6q12.
Variant type: single nucleotide variant.
Coding change: c.7441G>C on transcript NM_001142800.2 (MANE Select); coding-DNA position 7441, G replaced by C.
Protein change: p.Gly2481Arg; replaces glycine 2481 with arginine.
Molecular consequence: missense variant.
Genome position (GRCh38, 1-based): chr6:63,789,195, C>G on the plus strand (G>C on the coding strand, the complement: EYS is on the minus strand). VCF-style: chr6-63789195-C-G. GRCh37 (hg19) VCF-style: chr6-64499088-C-G.
Other names: c.7441G>C, p.Gly2481Arg (NM_001292009.2); short protein forms G2481R.
Identifiers: ClinVar variation 1958063 (VCV001958063.6), dbSNP rs774918307, ClinGen allele CA364386033.